The following is an entry in ClinVar:

NM_000545.8(HNF1A):c.*1070C>T

Genes: C12orf43 (chromosome 12 open reading frame 43; minus strand), HNF1A (HNF1 homeobox A; plus strand). Cytogenetic location: 12q24.31.
Variant type: single nucleotide variant.
Coding change: c.*1070C>T on transcript NM_000545.8 (MANE Select); 1070 bases downstream of the stop codon, C replaced by T.
Molecular consequence: 3 prime UTR variant.
Genome position (GRCh38, 1-based): chr12:121,002,262, C>T. VCF-style: chr12-121002262-C-T. GRCh37 (hg19) VCF-style: chr12-121440065-C-T.
Other names: c.*1891G>A (NM_001286191.2, NM_001286196.2, NM_022895.3); c.*1070C>T (NM_001306179.2, NM_001406915.1).
Identifiers: ClinVar variation 307473 (VCV000307473.6), dbSNP rs568653423, ClinGen allele CA10636641.
Genomic context (GRCh38, chr12:121,002,262, plus strand): 5'-TACCTGTGTGGACAGGACTAACACTCAGAAGCCTGGGGGCCTGGCTGGCTGAGGGCAGTT[C>T]GCAGCCACCCTGAGGAGTCTGAGGTCCTGAGCACTGCCAGGAGGGACAAAGGAGCCTGTG-3'

ClinVar aggregate classification (germline): Conflicting classifications of pathogenicity. Review status: criteria provided, conflicting classifications (1 of 4 stars). 2 submissions from 2 submitters: Uncertain significance (1); Benign (1). Last evaluated 2018-01-12.

Conditions:
Maturity-onset diabetes of the young (MODY). Also called: Maturity onset diabetes mellitus in young. Identifiers: Orphanet 552, MedGen C0342276, MONDO:0018911, HP:0004904.
Maturity-onset diabetes of the young type 3. Also called: MODY, type III; MODY type 3. Identifiers: Orphanet 552, MedGen C1838100, MeSH C563933, MONDO:0010894, OMIM 600496. Disease mechanism: loss of function.

Allele frequency attached by ClinVar (database versions not stated): 1000 Genomes Project 30x 0.00016; TOPMed 0.00034; gnomAD 0.00043 and 0.00046; gnomAD exomes 0.00049.

Submissions (2):

Illumina Laboratory Services, Illumina
Classification: Uncertain significance for Maturity-onset diabetes of the young type 3. Last evaluated: 2018-01-12. Review status: criteria provided, single submitter. Criteria: ICSL Variant Classification Criteria 13 December 2019. Collection method: clinical testing. Allele origin: germline.

Clinical Genomics, Uppaluri K&H Personalized Medicine Clinic
Classification: Benign for Maturity-onset diabetes of the young. Review status: criteria provided, single submitter. Criteria: K & H Uppaluri Personalized Medicine Clinic Variant Classification & Assertion Criteria_Updated V.1. Collection method: research. Allele origin: unknown. Inheritance: Autosomal dominant inheritance.
Comment: Mutations in HNF1A gene can predispose to MODY3. It is associated with both micro and macrovascular complications of diabetes, especially cardiovascular complications. Associated with glucosuria. May respond well to sulfonylureas. However, more evidence is required to confer the association of this particular variant rs568653423 with MODY3.

Literature cited by the submitters: PubMed 31517624 (cited by Clinical Genomics, Uppaluri K&H Personalized Medicine Clinic); PubMed 32395877 (cited by Clinical Genomics, Uppaluri K&H Personalized Medicine Clinic); PubMed 35328643 (cited by Clinical Genomics, Uppaluri K&H Personalized Medicine Clinic); PubMed 35673428 (cited by Clinical Genomics, Uppaluri K&H Personalized Medicine Clinic).